The following is an entry in ClinVar:

NM_005560.6(LAMA5):c.1015G>A (p.Gly339Ser)

Gene: LAMA5 (laminin subunit alpha 5; minus strand). Cytogenetic location: 20q13.33.
Variant type: single nucleotide variant.
Coding change: c.1015G>A on transcript NM_005560.6 (MANE Select); coding-DNA position 1015, G replaced by A.
Protein change: p.Gly339Ser; replaces glycine 339 with serine.
Molecular consequence: missense variant.
Genome position (GRCh38, 1-based): chr20:62,346,970, C>T on the plus strand (G>A on the coding strand, the complement: LAMA5 is on the minus strand). VCF-style: chr20-62346970-C-T. GRCh37 (hg19) VCF-style: chr20-60922026-C-T.
Other names: c.1015G>A (NM_005560.3); short protein forms G339S.
Identifiers: ClinVar variation 3351108 (VCV003351108.2).
Genomic context (GRCh38, chr20:62,346,970, plus strand): 5'-CACACTGGCACTCGTTGGCACTGTTGGCAGTCGCAGGCTTCCACGGCTGCTGATTGAAGC[C>T]GGGGCAGCAGCGGTCGCAGGTGCCCCCGCAGGTGTTGTGCTGGCAGGTGCACTGCAGCCT-3'
Protein context (NP_005551.3, residues 329-349): CGGTCDRCCP[Gly339Ser]FNQQPWKPAT

ClinVar aggregate classification (germline): Uncertain significance. Review status: criteria provided, single submitter (1 of 4 stars). 2 submissions from 2 submitters: Uncertain significance (1). 1 of the submissions does not count toward it. Last evaluated 2025-03-14.

Conditions:
LAMA5-related disorder. Also called: LAMA5-related condition; LAMA5-Related Disorders.
Inborn genetic diseases. Identifiers: MedGen C0950123, MeSH D030342.

gnomAD v4.1: 63 of 1,612,732 alleles (0.0039%); highest among the groups gnomAD compares: East Asian, 0.029%; no homozygotes.

Submissions (2):

Ambry Genetics
Classification: Uncertain significance for Inborn genetic diseases. Last evaluated: 2025-03-14. Review status: criteria provided, single submitter. Criteria: Ambry Variant Classification Scheme 2023. Collection method: clinical testing. Allele origin: germline.

PreventionGenetics, part of Exact Sciences
Classification: Uncertain significance for LAMA5-related condition. Last evaluated: 2024-04-15. Review status: no assertion criteria provided. Collection method: clinical testing. Allele origin: germline. Not counted in ClinVar's aggregate classification.
Comment: The LAMA5 c.1015G>A variant is predicted to result in the amino acid substitution p.Gly339Ser. To our knowledge, this variant has not been reported in the literature. This variant is reported in 0.13% of alleles in individuals of East Asian descent in gnomAD. Although we suspect this variant may be benign due to the relatively high allele frequency in the general population, at this time, the clinical significance of this variant is uncertain due to the absence of conclusive functional and genetic evidence.